The following is an entry in ClinVar:

NM_001035.3(RYR2):c.4436+91G>A

Gene: RYR2 (ryanodine receptor 2; plus strand). Cytogenetic location: 1q43.
Variant type: single nucleotide variant.
Coding change: c.4436+91G>A on transcript NM_001035.3 (MANE Select); 91 bases into the intron after coding-DNA position 4436, G replaced by A.
Molecular consequence: intron variant.
Genome position (GRCh38, 1-based): chr1:237,593,727, G>A. VCF-style: chr1-237593727-G-A. GRCh37 (hg19) VCF-style: chr1-237757027-G-A.
Identifiers: ClinVar variation 672074 (VCV000672074.2), dbSNP rs1478915, ClinGen allele CA10861598.

ClinVar aggregate classification (germline): Benign. Review status: criteria provided, multiple submitters, no conflicts (2 of 4 stars). 2 submissions from 2 submitters: Benign (2). Last evaluated 2018-06-15.

Allele frequency attached by ClinVar (database versions not stated): 1000 Genomes Project 30x 0.33495; 1000 Genomes Project 0.33786; TOPMed 0.39471; gnomAD 0.40122.
gnomAD v4.1: 597,472 of 1,301,700 alleles (46%); highest among the groups gnomAD compares: Admixed American, 57%; 142,429 homozygotes.

Submissions (2):

GeneDx
Classification: Benign. Last evaluated: 2018-06-15. Review status: criteria provided, single submitter. Criteria: GeneDx Variant Classification (06012015). Collection method: clinical testing. Allele origin: germline. Affected: yes.
Comment: This variant is considered likely benign or benign based on one or more of the following criteria: it is a conservative change, it occurs at a poorly conserved position in the protein, it is predicted to be benign by multiple in silico algorithms, and/or has population frequency not consistent with disease.

Breakthrough Genomics
Classification: Benign. Review status: criteria provided, single submitter. Criteria: ACMG Guidelines, 2015. Collection method: not provided. Allele origin: germline. Inheritance: Autosomal dominant inheritance. Affected: yes.